The following is an entry in ClinVar:

NM_001083961.2(WDR62):c.1043+3A>G

Gene: WDR62 (WD repeat domain 62; plus strand). Cytogenetic location: 19q13.12.
Variant type: single nucleotide variant.
Coding change: c.1043+3A>G on transcript NM_001083961.2 (MANE Select); 3 bases into the intron after coding-DNA position 1043, A replaced by G.
Molecular consequence: intron variant.
Genome position (GRCh38, 1-based): chr19:36,071,719, A>G. VCF-style: chr19-36071719-A-G. GRCh37 (hg19) VCF-style: chr19-36562621-A-G.
Other names: c.1043+3A>G (NM_173636.5).
Identifiers: ClinVar variation 160243 (VCV000160243.68), dbSNP rs587784541, ClinGen allele CA272753.

ClinVar aggregate classification (germline): Conflicting classifications of pathogenicity. Review status: criteria provided, conflicting classifications (1 of 4 stars). 8 submissions from 8 submitters: Pathogenic (3); Likely pathogenic (1); Uncertain significance (4). Last evaluated 2026-10-20.

Conditions:
Microcephaly 2, primary, autosomal recessive, with or without cortical malformations. Also called: WDR62 Primary Microcephaly; MICROCEPHALY 2, PRIMARY, AUTOSOMAL RECESSIVE, WITH CORTICAL MALFORMATIONS. Identifiers: Orphanet 2512, MedGen C1858535, MONDO:0011435, OMIM 604317.

Allele frequency attached by ClinVar (database versions not stated): ExAC 0.00001; gnomAD exomes 0.00004 and 0.00013; TOPMed 0.00006; gnomAD 0.00009.
gnomAD v4.1: 193 of 1,612,136 alleles (0.012%); highest among the groups gnomAD compares: Non-Finnish European, 0.016%; no homozygotes.

Submissions (8):

GeneDx
Classification: Pathogenic. Last evaluated: 2026-10-20. Review status: criteria provided, single submitter. Criteria: GeneDx Variant Classification Process June 2021. Collection method: clinical testing. Allele origin: germline.
Comment: Not observed at significant frequency in large population cohorts (gnomAD); In silico analysis suggests that this variant does not alter splicing; This variant is associated with the following publications: (PMID: 34402213)

Labcorp Genetics (formerly Invitae), Labcorp
Classification: Likely pathogenic. Last evaluated: 2024-10-25. Review status: criteria provided, single submitter. Criteria: Invitae Variant Classification Sherloc (09022015). Collection method: clinical testing. Allele origin: germline.
Comment: This sequence change falls in intron 8 of the WDR62 gene. It does not directly change the encoded amino acid sequence of the WDR62 protein. It affects a nucleotide within the consensus splice site. This variant is present in population databases (rs587784541, gnomAD 0.01%). This variant has been observed in individual(s) with primary microcephaly (PMID: 34402213). In at least one individual the data is consistent with being in trans (on the opposite chromosome) from a pathogenic variant. ClinVar contains an entry for this variant (Variation ID: 160243). Variants that disrupt the consensus splice site are a relatively common cause of aberrant splicing (PMID: 17576681, 9536098). Algorithms developed to predict the effect of sequence changes on RNA splicing suggest that this variant is not likely to affect RNA splicing. In summary, the currently available evidence indicates that the variant is pathogenic, but additional data are needed to prove that conclusively. Therefore, this variant has been classified as Likely Pathogenic.

Victorian Clinical Genetics Services, Murdoch Childrens Research Institute
Classification: Pathogenic for Microcephaly 2, primary, autosomal recessive, with or without cortical malformations. Last evaluated: 2022-02-02. Review status: criteria provided, single submitter. Criteria: ACMG Guidelines, 2015. Collection method: clinical testing. Allele origin: germline. Inheritance: Autosomal recessive inheritance. Affected: yes.
Comment: Based on the classification scheme VCGS_Germline_v1.3.4, this variant is classified as Pathogenic. Following criteria are met: 0102 - Loss of function is a known mechanism of disease in this gene and is associated with primary microcephaly 2, with or without cortical malformations (MIM#604317). (I) 0106 - This gene is associated with autosomal recessive disease. (I) 0212 - Non-canonical splice site variant without proven consequence on splicing (no functional evidence available). (SP) 0251 - This variant is heterozygous. (I) 0304 - Variant is present in gnomAD <0.01 for a recessive condition (v3: 13 heterozygotes, 0 homozygotes). (SP) 0705 - No comparable splice site variants have previous evidence for pathogenicity. (I) 0801 - This variant has strong previous evidence of pathogenicity in unrelated individuals. It has been reported in a homozygous state in two individuals within the DECIPHER cohort with microcephaly, intellectual disability and seizures; one of individuals also had polymicrogyria. At least two affected individuals were also identified by diagnostics laboratories in ClinVar, with one laboratory classifying the variant as likely pathogenic and the other as a variant of uncertain significance. Most recently, the variant has been reported in a homozygous state and a compound heterozygous state in two individuals with microcephaly, intellectual disability and seizures (PMID: 34402213). (SP) 0905 - No published segregation evidence has been identified for this variant. (I) 1007 - No published functional evidence has been identified for this variant. (I) 1208 - Inheritance information for this variant is not currently available in this individual. (I) Legend: (SP) - Supporting pathogenic, (I) - Information, (SB) - Supporting benign

Revvity Omics, Revvity
Classification: Uncertain significance for Microcephaly 2, primary, autosomal recessive, with or without cortical malformations. Last evaluated: 2021-01-08. Review status: criteria provided, single submitter. Criteria: ACMG Guidelines, 2015. Collection method: clinical testing. Allele origin: germline.

CeGaT Center for Human Genetics Tuebingen
Classification: Uncertain significance. Last evaluated: 2020-03-01. Review status: criteria provided, single submitter. Criteria: CeGaT Center For Human Genetics Tuebingen Variant Classification Criteria Version 2. Collection method: clinical testing. Allele origin: germline. Affected: yes. Observed: 3 variant alleles.

Child Neurology Department, Hôpital Universitaire de Bruxelles
Classification: Pathogenic for Microcephaly 2, primary, autosomal recessive, with or without cortical malformations. Last evaluated: 2020-01-01. Review status: criteria provided, single submitter. Criteria: ACMG Guidelines, 2015. Collection method: clinical testing. Allele origin: inherited. Affected: yes.

Eurofins Ntd Llc (ga)
Classification: Uncertain significance. Last evaluated: 2016-05-16. Review status: criteria provided, single submitter. Criteria: EGL Classification Definitions 2015. Collection method: clinical testing. Allele origin: germline. Observed: 1 variant allele, 1 heterozygote.

Genetic Services Laboratory, University of Chicago
Classification: Uncertain significance for Microcephaly 2, primary, autosomal recessive, with or without cortical malformations. Last evaluated: 2014-05-28. Review status: criteria provided, single submitter. Criteria: ACMG Guidelines, 2015. Collection method: clinical testing. Allele origin: germline. Inheritance: Autosomal recessive inheritance.

Literature cited by the submitters: PubMed 34402213 (cited by Labcorp Genetics (formerly Invitae), Labcorp and Victorian Clinical Genetics Services, Murdoch Childrens Research Institute); PubMed 17576681 (cited by Labcorp Genetics (formerly Invitae), Labcorp); PubMed 9536098 (cited by Labcorp Genetics (formerly Invitae), Labcorp); PubMed 3440221 (cited by Victorian Clinical Genetics Services, Murdoch Childrens Research Institute).